The following is an entry in ClinVar:

NM_171999.4(SALL3):c.3726C>T (p.Pro1242=)

Gene: SALL3 (spalt like transcription factor 3; plus strand). Cytogenetic location: 18q23.
Variant type: single nucleotide variant.
Coding change: c.3726C>T on transcript NM_171999.4 (MANE Select); coding-DNA position 3726, C replaced by T.
Protein change: p.Pro1242=; no amino-acid change (proline 1242 retained).
Molecular consequence: synonymous variant.
Genome position (GRCh38, 1-based): chr18:78,997,145, C>T. VCF-style: chr18-78997145-C-T. GRCh37 (hg19) VCF-style: chr18-76757145-C-T.
Identifiers: ClinVar variation 2648820 (VCV002648820.24), dbSNP rs148335210, ClinGen allele CA9007020.

ClinVar aggregate classification (germline): Likely benign (1 of 4 stars; one submission).

Allele frequency attached by ClinVar (database versions not stated): ESP Exome Variant Server 0.00108; 1000 Genomes Project 0.00120; 1000 Genomes Project 30x 0.00125; ExAC 0.00142.
gnomAD v4.1: 2,344 of 1,614,038 alleles (0.15%); highest among the groups gnomAD compares: Middle Eastern, 1.2%; 8 homozygotes.

Submission:

CeGaT Center for Human Genetics Tuebingen
Classification: Likely benign. Last evaluated: 2022-06-01. Review status: criteria provided, single submitter. Criteria: CeGaT Center For Human Genetics Tuebingen Variant Classification Criteria Version 2. Collection method: clinical testing. Allele origin: germline. Affected: yes. Observed: 1 variant allele.
Comment: SALL3: BP4, BP7